The following is an entry in ClinVar:

NM_001276270.2(MBD4):c.986C>T (p.Thr329Ile)

Gene: MBD4 (methyl-CpG binding domain 4, DNA glycosylase; minus strand). Cytogenetic location: 3q21.3.
Variant type: single nucleotide variant.
Coding change: c.986C>T on transcript NM_001276270.2 (MANE Select); coding-DNA position 986, C replaced by T.
Protein change: p.Thr329Ile; replaces threonine 329 with isoleucine.
Molecular consequence: missense variant. On other transcripts: intron variant (1).
Genome position (GRCh38, 1-based): chr3:129,436,658, G>A on the plus strand (C>T on the coding strand, the complement: MBD4 is on the minus strand). VCF-style: chr3-129436658-G-A. GRCh37 (hg19) VCF-style: chr3-129155501-G-A.
Other names: c.986C>T, p.Thr329Ile (NM_001276271.2, NM_001276272.2, NM_003925.3); c.247+1150C>T (NM_001276273.2); short protein forms T329I.
Identifiers: ClinVar variation 2852974 (VCV002852974.4), dbSNP rs1559800631, ClinGen allele CA354466808.
Genomic context (GRCh38, chr3:129,436,658, plus strand): 5'-TCATACTTCTCGTTGTGTTCTGAGTCTTTGGCTGAACAAAATTTGTTTATGATGCCAGAA[G>A]TTTTTTGTTCAGAACAAAAATTTGATCCTGAACTCAATGATCTTTCTTTTTTTTTTACAA-3'
Protein context (NP_001263199.1, residues 319-339): SGSNFCSEQK[Thr329Ile]SGIINKFCSA

ClinVar aggregate classification (germline): Uncertain significance. Review status: criteria provided, multiple submitters, no conflicts (2 of 4 stars). 2 submissions from 2 submitters: Uncertain significance (2). Last evaluated 2025-05-28.

Conditions:
Inborn genetic diseases. Identifiers: MedGen C0950123, MeSH D030342.

Allele frequency attached by ClinVar (database versions not stated): gnomAD exomes below 0.00001.

Submissions (2):

Labcorp Genetics (formerly Invitae), Labcorp
Classification: Uncertain significance. Last evaluated: 2025-05-28. Review status: criteria provided, single submitter. Criteria: Invitae Variant Classification Sherloc (09022015). Collection method: clinical testing. Allele origin: germline.
Comment: This sequence change replaces threonine, which is neutral and polar, with isoleucine, which is neutral and non-polar, at codon 329 of the MBD4 protein (p.Thr329Ile). This variant is not present in population databases (gnomAD no frequency). This variant has not been reported in the literature in individuals affected with MBD4-related conditions. ClinVar contains an entry for this variant (Variation ID: 2852974). An algorithm developed to predict the effect of missense changes on protein structure and function (PolyPhen-2) suggests that this variant is likely to be disruptive. In summary, the available evidence is currently insufficient to determine the role of this variant in disease. Therefore, it has been classified as a Variant of Uncertain Significance.

Ambry Genetics
Classification: Uncertain significance for Inborn genetic diseases. Last evaluated: 2025-01-11. Review status: criteria provided, single submitter. Criteria: Ambry Variant Classification Scheme 2023. Collection method: clinical testing. Allele origin: germline.
Comment: The p.T329I variant (also known as c.986C>T), located in coding exon 3 of the MBD4 gene, results from a C to T substitution at nucleotide position 986. The threonine at codon 329 is replaced by isoleucine, an amino acid with similar properties. This amino acid position is conserved. In addition, the in silico prediction for this alteration is inconclusive. Based on the available evidence, the clinical significance of this variant remains unclear.